The following is an entry in ClinVar:

ClinVar aggregate classification (germline): Uncertain significance. Review status: criteria provided, multiple submitters, no conflicts (2 of 4 stars). 3 submissions from 3 submitters: Uncertain significance (2). 1 of the submissions does not count toward it. Last evaluated 2026-02-01.

Conditions:
Muscular dystrophy-dystroglycanopathy (congenital with brain and eye anomalies), type A3. Also called: Muscular dystrophy-dystroglycanopathy (congenital with brain and eye anomalies), type A, 3; Congenital muscular dystrophy-dystroglycanopathy with brain and eye anomalies, type A3; WALKER-WARBURG SYNDROME OR MUSCLE-EYE-BRAIN DISEASE, POMGNT1-RELATED. Identifiers: MedGen C3151519, MONDO:0009667, OMIM 253280.

Submissions (3):

CeGaT Center for Human Genetics Tuebingen
Classification: Uncertain significance. Last evaluated: 2026-02-01. Review status: criteria provided, single submitter. Criteria: CeGaT Center For Human Genetics Tuebingen Variant Classification Criteria Version 2. Collection method: clinical testing. Allele origin: germline. Affected: yes. Observed: 1 variant allele.
Comment: POMGNT1: PM2, PM4

Revvity Omics, Revvity
Classification: Uncertain significance. Last evaluated: 2020-12-14. Review status: criteria provided, single submitter. Criteria: ACMG Guidelines, 2015. Collection method: clinical testing. Allele origin: germline.

Counsyl
Classification: Uncertain significance for Muscular dystrophy-dystroglycanopathy (congenital with brain and eye anomalies), type A3. Last evaluated: 2017-10-03. Review status: no assertion criteria provided. Collection method: clinical testing. Allele origin: unknown. Not counted in ClinVar's aggregate classification.

NM_017739.4(POMGNT1):c.512_517dup (p.Val172_Leu173insArgVal)

Genes: POMGNT1 (protein O-linked mannose N-acetylglucosaminyltransferase 1 (beta 1,2-); minus strand), TSPAN1 (tetraspanin 1; plus strand). Cytogenetic location: 1p34.1.
Variant type: Duplication.
Coding change: c.512_517dup on transcript NM_017739.4 (MANE Select); coding-DNA positions 512 to 517, 6 bases duplicated (GAGTGC; older notation c.512_517dupGAGTGC).
Protein change: p.Val172_Leu173insArgVal.
Molecular consequence: inframe insertion. On other transcripts: inframe indel (1).
Genome position (GRCh38, 1-based): chr1:46,195,828-46,195,833, GCACTC duplicated on the plus strand (GAGTGC on the coding strand, the reverse complement: POMGNT1 is on the minus strand); duplicating any 6 consecutive bases within chr1:46,195,828-46,195,834 gives the same sequence; the c. name uses the placement nearest the transcript's 3' end. VCF-style (leftmost placement, unchanged base first): chr1-46195827-A-AGCACTC. GRCh37 (hg19) VCF-style: chr1-46661499-A-AGCACTC.
Other names: c.512_517dup, p.Val172_Leu173insArgVal (NM_001243766.2, NM_001410783.1); c.445_450dup, p.Val150_Leu151insArgVal (NM_001290129.3); c.83_88dup, p.Val29_Leu30insArgVal (NM_001290130.2).
Identifiers: ClinVar variation 550035 (VCV000550035.9), dbSNP rs1553163909, ClinGen allele CA658821041.
Genomic context (GRCh38, chr1:46,195,827, plus strand): 5'-TGGAGCTAGGGAGTAGGGGTCAGGGTCAGGACAGAATAACTGACCTTGACAGTGCAGATG[A>AGCACTC]GCACTCGGCCGGGCGCTACCATGTTGAGGAATAGCACCATGGCCTCATCCTCATGAGGTG-3'